The following is an entry in ClinVar:

ClinVar aggregate classification (germline): Pathogenic (1 of 4 stars; one submission).

Conditions:
Mucopolysaccharidosis, MPS-III-B (MPS3B). Also called: N-ACETYL-ALPHA-D-GLUCOSAMINIDASE DEFICIENCY; NAGLU DEFICIENCY; SANFILIPPO SYNDROME B; MPS III B; Mucopolysaccharidosis type IIIB (Sanfilippo B); MUCOPOLYSACCHARIDOSIS, TYPE IIIB. Identifiers: Orphanet 79270, MedGen C0086648, MONDO:0009656, OMIM 252920.

Submission:

Foundation for Research in Genetics and Endocrinology, FRIGE's Institute of Human Genetics
Classification: Pathogenic for Mucopolysaccharidosis, MPS-III-B. Last evaluated: 2025-02-20. Review status: criteria provided, single submitter. Criteria: ACMG Guidelines, 2015. Collection method: clinical testing. Allele origin: germline. Inheritance: Autosomal recessive inheritance. Affected: yes. Observed: 1 homozygote.
Comment: A homozygous deletion chr17:g.(?_40688190)_(40696467_?)del encompassing exons 1-6 of the NAGLU gene was identified. This variant has not been reported in the gnomAD database. A deletion encompassing this region has previously been reported as pathogenic in the ClinVar database SCV002238759.3 (RCV001975237.5). In summary, the variant meets our criteria to be classified as pathogenic

NC_000017.11:g.42536173_42544450del

Genes: NAGLU (N-acetyl-alpha-glucosaminidase; plus strand), LOC130060903 (ATAC-STARR-seq lymphoblastoid silent region 8533; plus strand). Cytogenetic location: 17q21.2.
Variant type: Deletion.
Genome position: GRCh38: chr17:42,536,173-42,544,450. GRCh37 (hg19): chr17:40,688,191-40,696,468.
Identifiers: ClinVar variation 3776800 (VCV003776800.1).